The following is an entry in ClinVar:

NM_024675.3:c.3179_3180insALU

Gene: PALB2 (partner and localizer of BRCA2; minus strand).
Variant type: Insertion.
Identifiers: ClinVar variation 4841305 (VCV004841305.1).

ClinVar aggregate classification (germline): Likely pathogenic (1 of 4 stars; one submission).

Conditions:
Hereditary cancer-predisposing syndrome. Also called: Neoplastic Syndromes, Hereditary; Tumor predisposition; Hereditary Cancer Syndrome; Hereditary neoplastic syndrome. Identifiers: Orphanet 140162, MedGen C0027672, MeSH D009386, MONDO:0015356.

Submission:

Ambry Genetics
Classification: Likely pathogenic for Hereditary cancer-predisposing syndrome. Last evaluated: 2026-01-12. Review status: criteria provided, single submitter. Criteria: Ambry Variant Classification Scheme 2023. Collection method: clinical testing. Allele origin: germline.
Comment: The c.3179_3180insALU likely pathogenic variant results from the insertion of an Alu element between nucleotides 3179 and 3180 in coding exon 11 of the PALB2 gene. Mobile element insertions contribute to pathogenicity by either disrupting the coding sequence or inducing aberrant splicing (Belancio VP et al. Semin. Cancer Biol. 2010 Aug;20:200-10; Deininger P et al. Genome Biol. 2011 Dec;12:236; van der Klift HM Hum Mutat. 2012 Jul;33(7):1051-5). Based on the majority of available evidence to date, this variant is likely to be pathogenic.